The following is an entry in ClinVar:

NM_003919.3(SGCE):c.656A>T (p.Lys219Met)

Genes: CASD1 (CAS1 domain sialic acid O acetyltransferase 1; plus strand), SGCE (sarcoglycan epsilon; minus strand). Cytogenetic location: 7q21.3.
Variant type: single nucleotide variant.
Coding change: c.656A>T on transcript NM_003919.3 (MANE Select); coding-DNA position 656, A replaced by T.
Protein change: p.Lys219Met; replaces lysine 219 with methionine.
Molecular consequence: missense variant.
Genome position (GRCh38, 1-based): chr7:94,618,764, T>A on the plus strand (A>T on the coding strand, the complement: SGCE is on the minus strand). VCF-style: chr7-94618764-T-A. GRCh37 (hg19) VCF-style: chr7-94248076-T-A.
Other names: c.656A>T, p.Lys219Met (NM_001099400.2, NM_001099401.2, NM_001346717.2); c.533A>T, p.Lys178Met (NM_001301139.2, NM_001362809.2); c.764A>T, p.Lys255Met (NM_001346713.2, NM_001346715.2); c.569A>T, p.Lys190Met (NM_001346719.2, NM_001362807.2); c.383A>T, p.Lys128Met (NM_001346720.2, NM_001362808.2); short protein forms K190M, K219M, K255M, K128M, K178M.
Identifiers: ClinVar variation 1367171 (VCV001367171.6), dbSNP rs1802319616, ClinGen allele CA368235009.

ClinVar aggregate classification (germline): Uncertain significance (1 of 4 stars; one submission).

Conditions:
Myoclonic dystonia 11 (DYT11). Also called: DYT-SGCE; Myoclonic dystonia; Dystonia 11; Dystonia, alcohol responsive; Hereditary essential myoclonus; SGCE Myoclonus-Dystonia. Identifiers: Orphanet 36899, MedGen C1834570, MONDO:0008044, OMIM 159900.

Allele frequency attached by ClinVar (database versions not stated): gnomAD exomes below 0.00001; TOPMed below 0.00001; gnomAD 0.00001.
gnomAD v4.1: 3 of 1,613,236 alleles (0.00019%); highest among the groups gnomAD compares: African/African-American, 0.0013%; no homozygotes.

Submission:

Labcorp Genetics (formerly Invitae), Labcorp
Classification: Uncertain significance for Myoclonic dystonia 11. Last evaluated: 2021-12-21. Review status: criteria provided, single submitter. Criteria: Invitae Variant Classification Sherloc (09022015). Collection method: clinical testing. Allele origin: germline.
Comment: In summary, the available evidence is currently insufficient to determine the role of this variant in disease. Therefore, it has been classified as a Variant of Uncertain Significance. Algorithms developed to predict the effect of missense changes on protein structure and function are either unavailable or do not agree on the potential impact of this missense change (SIFT: "Deleterious"; PolyPhen-2: "Probably Damaging"; Align-GVGD: "Class C0"). This variant has not been reported in the literature in individuals affected with SGCE-related conditions. This variant is not present in population databases (gnomAD no frequency). This sequence change replaces lysine, which is basic and polar, with methionine, which is neutral and non-polar, at codon 219 of the SGCE protein (p.Lys219Met).